The following is an entry in ClinVar:

NM_004612.4(TGFBR1):c.408C>T (p.Phe136=)

Gene: TGFBR1 (transforming growth factor beta receptor 1; plus strand). Cytogenetic location: 9q22.33.
Variant type: single nucleotide variant.
Coding change: c.408C>T on transcript NM_004612.4 (MANE Select); coding-DNA position 408, C replaced by T.
Protein change: p.Phe136=; no amino-acid change (phenylalanine 136 retained).
Molecular consequence: synonymous variant. On other transcripts: intron variant (1).
Genome position (GRCh38, 1-based): chr9:99,132,573, C>T. VCF-style: chr9-99132573-C-T. GRCh37 (hg19) VCF-style: chr9-101894855-C-T.
Other names: c.420C>T, p.Phe140= (NM_001306210.2); c.343+3473C>T (NM_001130916.3).
Identifiers: ClinVar variation 745077 (VCV000745077.10), dbSNP rs773845018, ClinGen allele CA042020.
Genomic context (GRCh38, chr9:99,132,573, plus strand): 5'-GTCATCACCTGGCCTTGGTCCTGTGGAACTGGCAGCTGTCATTGCTGGACCAGTGTGCTT[C>T]GTCTGCATCTCACTCATGTTGATGGTCTATATCTGCCACAACCGCACTGTCATTCACCAT-3'
Protein context (NP_004603.1, residues 126-146): LAAVIAGPVC[Phe136=]VCISLMLMVY

ClinVar aggregate classification (germline): Likely benign. Review status: criteria provided, multiple submitters, no conflicts (2 of 4 stars). 4 submissions from 4 submitters: Likely benign (4). Last evaluated 2025-04-09.

Conditions:
Familial thoracic aortic aneurysm and aortic dissection (TAAD). Also called: Thoracic aortic aneurysms and dissections. Identifiers: Orphanet 91387, MedGen C4707243, MONDO:0019625.
Loeys-Dietz syndrome (LDS). Identifiers: Orphanet 60030, MedGen C2697932, MONDO:0018954.

Allele frequency attached by ClinVar (database versions not stated): gnomAD exomes below 0.00001; TOPMed below 0.00001; ExAC 0.00001.
gnomAD v4.1: 6 of 1,614,162 alleles (0.00037%); highest among the groups gnomAD compares: South Asian, 0.0011%; no homozygotes.

Submissions (4):

Labcorp Genetics (formerly Invitae), Labcorp
Classification: Likely benign for Familial thoracic aortic aneurysm and aortic dissection. Last evaluated: 2025-04-09. Review status: criteria provided, single submitter. Criteria: Invitae Variant Classification Sherloc (09022015). Collection method: clinical testing. Allele origin: germline.

Ambry Genetics
Classification: Likely benign for Familial thoracic aortic aneurysm and aortic dissection. Last evaluated: 2024-08-23. Review status: criteria provided, single submitter. Criteria: Ambry Variant Classification Scheme 2023. Collection method: clinical testing. Allele origin: germline.

All of Us Research Program, National Institutes of Health
Classification: Likely benign for Loeys-Dietz syndrome. Last evaluated: 2023-10-06. Review status: criteria provided, single submitter. Criteria: ACMG Guidelines, 2015. Collection method: clinical testing. Allele origin: germline. Inheritance: Autosomal dominant inheritance. Observed: 3 variant alleles, 3 heterozygotes.
Comment: This study involves interpretation of variants in research participants for the purpose of population health screening. Participant phenotype was not available at the time of variant classification. Additional details can be found in publication PMID: 35346344, PMCID: PMC8962531

Color Diagnostics, LLC DBA Color Health
Classification: Likely benign for Familial thoracic aortic aneurysm and aortic dissection. Last evaluated: 2019-02-09. Review status: criteria provided, single submitter. Criteria: ACMG Guidelines, 2015. Collection method: clinical testing. Allele origin: germline.